The following is an entry in ClinVar:

NM_003072.5(SMARCA4):c.2638G>A (p.Val880Met)

Gene: SMARCA4 (SWI/SNF related BAF chromatin remodeling complex subunit ATPase 4; plus strand). Cytogenetic location: 19p13.2.
Variant type: single nucleotide variant.
Coding change: c.2638G>A on transcript NM_003072.5 (MANE Select); coding-DNA position 2638, G replaced by A.
Protein change: p.Val880Met; replaces valine 880 with methionine.
Molecular consequence: missense variant. On other transcripts: non-coding transcript variant (1).
Genome position (GRCh38, 1-based): chr19:11,021,746, G>A. VCF-style: chr19-11021746-G-A. GRCh37 (hg19) VCF-style: chr19-11132422-G-A.
Other names: c.2638G>A, p.Val880Met (NM_001128844.3, NM_001128845.2, NM_001128846.2 and 6 more transcripts); short protein forms V880M.
Identifiers: ClinVar variation 1794148 (VCV001794148.2), dbSNP rs2146415625, ClinGen allele CA404055643.
Genomic context (GRCh38, chr19:11,021,746, plus strand): 5'-GCTGCCCCCTGCCCTGATTGCCCACTCTGGGGCCCGCAGATCCGTTGGAAGTACATGATT[G>A]TGGACGAAGGTCACCGCATGAAGAACCACCACTGCAAGCTGACGCAGGTGCTCAACACGC-3'
Protein context (NP_003063.2, residues 870-890): LAKIRWKYMI[Val880Met]DEGHRMKNHH

ClinVar aggregate classification (germline): Uncertain significance (1 of 4 stars; one submission).

Conditions:
Hereditary cancer-predisposing syndrome. Also called: Tumor predisposition; Hereditary Cancer Syndrome; Neoplastic Syndromes, Hereditary; Hereditary neoplastic syndrome. Identifiers: Orphanet 140162, MedGen C0027672, MeSH D009386, MONDO:0015356.

Submission:

Ambry Genetics
Classification: Uncertain significance for Hereditary cancer-predisposing syndrome. Last evaluated: 2022-04-15. Review status: criteria provided, single submitter. Criteria: Ambry Variant Classification Scheme 2023. Collection method: clinical testing. Allele origin: germline.
Comment: The p.V880M variant (also known as c.2638G>A), located in coding exon 18 of the SMARCA4 gene, results from a G to A substitution at nucleotide position 2638. The valine at codon 880 is replaced by methionine, an amino acid with highly similar properties. This amino acid position is highly conserved in available vertebrate species. In addition, this alteration is predicted to be deleterious by in silico analysis. Missense and in-frame variants in SMARCA4 are known to cause neurodevelopmental disorders; however, such associations with rhabdoid tumor predisposition syndrome including small cell carcinoma of the ovary-hypercalcemic type (SCCOHT) are exceedingly rare (Kosho T et al. Am J Med Genet C Semin Med Genet. 2014 Sep;166C(3):262-75; Jelinic P et al. Nat Genet. 2014 May;46(5):424-6). Since supporting evidence is limited at this time, the clinical significance of this alteration remains unclear.